The following is an entry in ClinVar:

ClinVar aggregate classification (germline): Likely pathogenic (1 of 4 stars; one submission).

Conditions:
Propionic acidemia (PROP). Also called: GLYCINEMIA, KETOTIC; HYPERGLYCINEMIA WITH KETOACIDOSIS AND LEUKOPENIA; KETOTIC HYPERGLYCINEMIA. Identifiers: Orphanet 35, MedGen C0268579, MONDO:0011628, OMIM 606054, HP:0003571.

Allele frequency attached by ClinVar (database versions not stated): TOPMed below 0.00001.

Submission:

Labcorp Genetics (formerly Invitae), Labcorp
Classification: Likely pathogenic for Propionic acidemia. Last evaluated: 2022-03-18. Review status: criteria provided, single submitter. Criteria: Invitae Variant Classification Sherloc (09022015). Collection method: clinical testing. Allele origin: germline.
Comment: In summary, the currently available evidence indicates that the variant is pathogenic, but additional data are needed to prove that conclusively. Therefore, this variant has been classified as Likely Pathogenic. Algorithms developed to predict the effect of sequence changes on RNA splicing suggest that this variant may disrupt the consensus splice site. This variant results in the deletion of part of exon 12 (c.1288_1299+5del) of the PCCB gene. It is expected to disrupt RNA splicing. Variants that disrupt the donor or acceptor splice site typically lead to a loss of protein function (PMID: 16199547), and loss-of-function variants in PCCB are known to be pathogenic (PMID: 15464417). This variant is not present in population databases (gnomAD no frequency). This variant has not been reported in the literature in individuals affected with PCCB-related conditions.

Literature cited by the submitters: PubMed 16199547; PubMed 15464417.

NM_000532.5(PCCB):c.1288_1299+5del

Gene: PCCB (propionyl-CoA carboxylase subunit beta; plus strand). Cytogenetic location: 3q22.3.
Variant type: Deletion.
Coding change: c.1288_1299+5del on transcript NM_000532.5 (MANE Select); coding-DNA position 1288 through 5 bases into the intron after coding-DNA position 1299, 17 bases deleted (ATCACCAGGAAGGTGAG).
Molecular consequence: splice donor variant.
Genome position (GRCh38, 1-based): chr3:136,327,244-136,327,260, ATCACCAGGAAGGTGAG deleted. VCF-style (leftmost placement, unchanged base first): chr3-136327243-CATCACCAGGAAGGTGAG-C. GRCh37 (hg19) VCF-style: chr3-136046085-CATCACCAGGAAGGTGAG-C.
Other names: c.1348_1359+5del (NM_001178014.2).
Identifiers: ClinVar variation 1520484 (VCV001520484.6), dbSNP rs1250541852, ClinGen allele CA899360289.